The following is an entry in ClinVar:

ClinVar aggregate classification (germline): Uncertain significance (1 of 4 stars; one submission).

Conditions:
Hereditary cancer-predisposing syndrome. Also called: Neoplastic Syndromes, Hereditary; Tumor predisposition; Hereditary Cancer Syndrome; Hereditary neoplastic syndrome. Identifiers: Orphanet 140162, MedGen C0027672, MeSH D009386, MONDO:0015356.

Submission:

Ambry Genetics
Classification: Uncertain significance for Hereditary cancer-predisposing syndrome. Last evaluated: 2026-04-04. Review status: criteria provided, single submitter. Criteria: Ambry Variant Classification Scheme 2023. Collection method: clinical testing. Allele origin: germline.
Comment: The p.I335T variant (also known as c.1004T>C), located in coding exon 8 of the POLD1 gene, results from a T to C substitution at nucleotide position 1004. The isoleucine at codon 335 is replaced by threonine, an amino acid with similar properties. This amino acid position is conserved. In addition, the in silico prediction for this alteration is inconclusive. Based on the available evidence, the clinical significance of this variant remains unclear.

NM_002691.4(POLD1):c.1004T>C (p.Ile335Thr)

Gene: POLD1 (DNA polymerase delta 1, catalytic subunit; plus strand). Cytogenetic location: 19q13.33.
Variant type: single nucleotide variant.
Coding change: c.1004T>C on transcript NM_002691.4 (MANE Select); coding-DNA position 1004, T replaced by C.
Protein change: p.Ile335Thr; replaces isoleucine 335 with threonine.
Molecular consequence: missense variant. On other transcripts: non-coding transcript variant (1).
Genome position (GRCh38, 1-based): chr19:50,403,086, T>C. VCF-style: chr19-50403086-T-C. GRCh37 (hg19) VCF-style: chr19-50906343-T-C.
Other names: c.1004T>C, p.Ile335Thr (NM_001256849.1, NM_001308632.1, NM_001438210.1 and 3 more transcripts); short protein forms I335T.
Identifiers: ClinVar variation 4862173 (VCV004862173.1).